The following is an entry in ClinVar:

NM_000088.4(COL1A1):c.4331C>T (p.Pro1444Leu)

Gene: COL1A1 (collagen type I alpha 1 chain; minus strand). Cytogenetic location: 17q21.33.
Variant type: single nucleotide variant.
Coding change: c.4331C>T on transcript NM_000088.4 (MANE Select); coding-DNA position 4331, C replaced by T.
Protein change: p.Pro1444Leu; replaces proline 1444 with leucine.
Molecular consequence: missense variant.
Genome position (GRCh38, 1-based): chr17:50,185,566, G>A on the plus strand (C>T on the coding strand, the complement: COL1A1 is on the minus strand). VCF-style: chr17-50185566-G-A. GRCh37 (hg19) VCF-style: chr17-48262927-G-A.
Other names: short protein forms P1444L.
Identifiers: ClinVar variation 3707824 (VCV003707824.2).

ClinVar aggregate classification (germline): Uncertain significance (1 of 4 stars; one submission).

Conditions:
Osteogenesis imperfecta type I (OI1). Also called: Lobstein's Disease; Lobstein disease; OI, TYPE I; OSTEOGENESIS IMPERFECTA TARDA; OSTEOGENESIS IMPERFECTA WITH BLUE SCLERAE; Osteogenesis imperfecta type 1. Identifiers: Orphanet 216796, Orphanet 666, MedGen C0023931, MONDO:0008146, OMIM 166200. Disease mechanism: loss of function.

gnomAD v4.1: 4 of 1,613,782 alleles (0.00025%); highest among the groups gnomAD compares: Non-Finnish European, 0.00034%; no homozygotes.

Submission:

Labcorp Genetics (formerly Invitae), Labcorp
Classification: Uncertain significance for Osteogenesis imperfecta type I. Last evaluated: 2024-05-31. Review status: criteria provided, single submitter. Criteria: Invitae Variant Classification Sherloc (09022015). Collection method: clinical testing. Allele origin: germline.
Comment: This sequence change replaces proline, which is neutral and non-polar, with leucine, which is neutral and non-polar, at codon 1444 of the COL1A1 protein (p.Pro1444Leu). This variant is not present in population databases (gnomAD no frequency). This variant has not been reported in the literature in individuals affected with COL1A1-related conditions. Advanced modeling of protein sequence and biophysical properties (such as structural, functional, and spatial information, amino acid conservation, physicochemical variation, residue mobility, and thermodynamic stability) has been performed at Invitae for this missense variant, however the output from this modeling did not meet the statistical confidence thresholds required to predict the impact of this variant on COL1A1 protein function. In summary, the available evidence is currently insufficient to determine the role of this variant in disease. Therefore, it has been classified as a Variant of Uncertain Significance.